The following is an entry in ClinVar:

NM_000548.5(TSC2):c.5084T>C (p.Val1695Ala)

Gene: TSC2 (TSC complex subunit 2; plus strand). Cytogenetic location: 16p13.3.
Variant type: single nucleotide variant.
Coding change: c.5084T>C on transcript NM_000548.5 (MANE Select); coding-DNA position 5084, T replaced by C.
Protein change: p.Val1695Ala; replaces valine 1695 with alanine.
Molecular consequence: missense variant.
Genome position (GRCh38, 1-based): chr16:2,088,063, T>C. VCF-style: chr16-2088063-T-C. GRCh37 (hg19) VCF-style: chr16-2138064-T-C.
Other names: c.4871T>C, p.Val1624Ala (NM_001406673.1); c.4868T>C, p.Val1623Ala (NM_001406675.1); c.4865T>C, p.Val1622Ala (NM_001406676.1); c.4826T>C, p.Val1609Ala (NM_001406677.1); c.4772T>C, p.Val1591Ala (NM_001406678.1); c.4736T>C, p.Val1579Ala (NM_001406679.1); c.4484T>C, p.Val1495Ala (NM_001406680.1); c.4424T>C, p.Val1475Ala (NM_001406681.1); and 26 more; short protein forms V1181A, V1428A, V1472A, V1579A, V1591A, V1609A, V1622A, V1623A.
Identifiers: ClinVar variation 1745238 (VCV001745238.7), dbSNP rs1420526276, ClinGen allele CA394312039.

ClinVar aggregate classification (germline): Uncertain significance. Review status: criteria provided, multiple submitters, no conflicts (2 of 4 stars). 3 submissions from 3 submitters: Uncertain significance (3). Last evaluated 2024-10-24.

Conditions:
Hereditary cancer-predisposing syndrome. Also called: Neoplastic Syndromes, Hereditary; Tumor predisposition; Hereditary Cancer Syndrome; Hereditary neoplastic syndrome. Identifiers: Orphanet 140162, MedGen C0027672, MeSH D009386, MONDO:0015356.
Tuberous sclerosis syndrome (TSC). Also called: Tuberous Sclerosis Complex; Tuberous sclerosis. Identifiers: Orphanet 805, MedGen C0041341, MONDO:0001734.
Tuberous sclerosis 2 (TSC2). Identifiers: Orphanet 805, MedGen C1860707, MONDO:0013199, OMIM 613254.

Allele frequency attached by ClinVar (database versions not stated): TOPMed below 0.00001.
gnomAD v4.1: 3 of 1,612,906 alleles (0.00019%); highest among the groups gnomAD compares: South Asian, 0.0011%; no homozygotes.

Submissions (3):

Labcorp Genetics (formerly Invitae), Labcorp
Classification: Uncertain significance for Tuberous sclerosis 2. Last evaluated: 2024-10-24. Review status: criteria provided, single submitter. Criteria: Invitae Variant Classification Sherloc (09022015). Collection method: clinical testing. Allele origin: germline.
Comment: This sequence change replaces valine, which is neutral and non-polar, with alanine, which is neutral and non-polar, at codon 1695 of the TSC2 protein (p.Val1695Ala). This variant is not present in population databases (gnomAD no frequency). This variant has not been reported in the literature in individuals affected with TSC2-related conditions. ClinVar contains an entry for this variant (Variation ID: 1745238). Invitae Evidence Modeling of protein sequence and biophysical properties (such as structural, functional, and spatial information, amino acid conservation, physicochemical variation, residue mobility, and thermodynamic stability) indicates that this missense variant is not expected to disrupt TSC2 protein function with a negative predictive value of 95%. In summary, the available evidence is currently insufficient to determine the role of this variant in disease. Therefore, it has been classified as a Variant of Uncertain Significance.

Ambry Genetics
Classification: Uncertain significance for Hereditary cancer-predisposing syndrome. Last evaluated: 2024-10-22. Review status: criteria provided, single submitter. Criteria: Ambry Variant Classification Scheme 2023. Collection method: clinical testing. Allele origin: germline.
Comment: The p.V1695A variant (also known as c.5084T>C), located in coding exon 39 of the TSC2 gene, results from a T to C substitution at nucleotide position 5084. The valine at codon 1695 is replaced by alanine, an amino acid with similar properties. This amino acid position is well conserved in available vertebrate species. In addition, this alteration is predicted to be deleterious by in silico analysis. Based on the available evidence, the clinical significance of this variant remains unclear.

All of Us Research Program, National Institutes of Health
Classification: Uncertain significance for Tuberous sclerosis syndrome. Last evaluated: 2023-12-13. Review status: criteria provided, single submitter. Criteria: ACMG Guidelines, 2015. Collection method: clinical testing. Allele origin: germline. Inheritance: Autosomal dominant inheritance. Observed: 1 variant allele, 1 heterozygote.
Comment: This missense variant replaces valine with alanine at codon 1695 of the TSC2 protein. Computational prediction is inconclusive regarding the impact of this variant on protein structure and function (internally defined REVEL score threshold 0.5 < inconclusive < 0.7, PMID: 27666373). To our knowledge, functional studies have not been reported for this variant. This variant has not been reported in individuals affected with TSC2-related disorders in the literature. This variant has not been identified in the general population by the Genome Aggregation Database (gnomAD). The available evidence is insufficient to determine the role of this variant in disease conclusively. Therefore, this variant is classified as a Variant of Uncertain Significance.

This study involves interpretation of variants in research participants for the purpose of population health screening. Participant phenotype was not available at the time of variant classification. Additional details can be found in publication PMID: 35346344, PMCID: PMC8962531